The following is an entry in ClinVar:

NM_139242.4(MTFMT):c.994C>T (p.Arg332Ter)

Gene: MTFMT (mitochondrial methionyl-tRNA formyltransferase; minus strand). Cytogenetic location: 15q22.31.
Variant type: single nucleotide variant.
Coding change: c.994C>T on transcript NM_139242.4 (MANE Select); coding-DNA position 994, C replaced by T.
Protein change: p.Arg332Ter; replaces arginine 332 with a stop codon.
Molecular consequence: nonsense.
Genome position (GRCh38, 1-based): chr15:65,003,238, G>A on the plus strand (C>T on the coding strand, the complement: MTFMT is on the minus strand). VCF-style: chr15-65003238-G-A. GRCh37 (hg19) VCF-style: chr15-65295576-G-A.
Other names: p.Arg332*; short protein forms R332*.
Identifiers: ClinVar variation 39830 (VCV000039830.24), dbSNP rs200286768, ClinGen allele CA130603.

ClinVar aggregate classification (germline): Pathogenic. Review status: criteria provided, multiple submitters, no conflicts (2 of 4 stars). 16 submissions from 15 submitters: Pathogenic (14). 2 of the submissions do not count toward it. Last evaluated 2026-04-14.

Conditions:
Mitochondrial complex I deficiency, nuclear type 27. Also called: Mitochondrial complex 1 deficiency, nuclear type 27. Identifiers: MedGen C4748826, MONDO:0032631, OMIM 618248.
Combined oxidative phosphorylation defect type 15. Also called: Combined oxidative phosphorylation deficiency 15. Identifiers: Orphanet 319524, MedGen C4706313, MONDO:0013987, OMIM 614947.
MTFMT-Related Disorders.
Possible mitochondrial disorder - nuclear genes.
MTFMT-related disorder. Also called: MTFMT-related condition.
Inborn genetic diseases. Identifiers: MedGen C0950123, MeSH D030342.

Allele frequency attached by ClinVar (database versions not stated): ESP Exome Variant Server 0.00008; TOPMed 0.00009; gnomAD 0.00010 and 0.00011.
gnomAD v4.1: 128 of 1,612,598 alleles (0.0079%); highest among the groups gnomAD compares: Non-Finnish European, 0.0099%; no homozygotes.

Submissions (16):

Genetics Laboratory, Great Ormond Street Hospital NHS Foundation Trust, North Thames Genomic Laboratory Hub
Classification: Pathogenic for Possible mitochondrial disorder - nuclear genes. Last evaluated: 2026-04-14. Review status: criteria provided, single submitter. Criteria: ACGS Best Practice Guidelines for Variant Classification in Rare Disease 2024 v1.2. Collection method: clinical testing. Allele origin: germline. Affected: yes.
Comment: PM2_supporting, PVS1_strong, PM3_very-strong

Laboratory of Human Genetics, Universidade de São Paulo
Classification: Pathogenic for Combined oxidative phosphorylation defect type 15. Last evaluated: 2025-12-18. Review status: criteria provided, single submitter. Criteria: ACMG Guidelines, 2015. Collection method: research. Allele origin: biparental. Affected: yes.
Comment: Homozygous nonsense variant classified as pathogenic according to ACMG/AMP guidelines (PVS1, PM2, PP4).

Labcorp Genetics (formerly Invitae), Labcorp
Classification: Pathogenic. Last evaluated: 2025-11-25. Review status: criteria provided, single submitter. Criteria: Invitae Variant Classification Sherloc (09022015). Collection method: clinical testing. Allele origin: germline.
Comment: This sequence change creates a premature translational stop signal (p.Arg332*) in the MTFMT gene. While this is not anticipated to result in nonsense mediated decay, it is expected to disrupt the last 58 amino acid(s) of the MTFMT protein. This variant is present in population databases (rs200286768, gnomAD 0.02%). This premature translational stop signal has been observed in individual(s) with combined oxidative phosphorylation deficiency (PMID: 22499348, 23499752). In at least one individual the data is consistent with being in trans (on the opposite chromosome) from a pathogenic variant. It has also been observed to segregate with disease in related individuals. ClinVar contains an entry for this variant (Variation ID: 39830). For these reasons, this variant has been classified as Pathogenic.

First Genomix Gene Laboratory, Genetic Diagnostics Department
Classification: Pathogenic for Combined oxidative phosphorylation defect type 15; Mitochondrial complex I deficiency, nuclear type 27. Last evaluated: 2025-01-06. Review status: criteria provided, single submitter. Criteria: ACMG Guidelines, 2015. Collection method: clinical testing. Allele origin: germline. Inheritance: Autosomal recessive inheritance. Affected: no. Observed: 1 variant allele.

Mayo Clinic Laboratories, Mayo Clinic
Classification: Pathogenic. Last evaluated: 2024-12-30. Review status: criteria provided, single submitter. Criteria: ACMG Guidelines, 2015. Collection method: clinical testing. Allele origin: germline. Observed: 1 variant allele.
Comment: PM2_supporting, PM3_very_strong, PVS1_strong

Blueprint Genetics
Classification: Pathogenic for MTFMT-related disorders. Last evaluated: 2024-11-26. Review status: criteria provided, single submitter. Criteria: ACMG Guidelines, 2015. Collection method: clinical testing. Allele origin: germline. Affected: yes. Observed: 5 variant alleles.

Dasa
Classification: Pathogenic. Last evaluated: 2024-09-11. Review status: criteria provided, single submitter. Criteria: DASA Assertion Criteria. Collection method: clinical testing. Allele origin: germline.
Comment: NM_139242.4(MTFMT):c.994C>T (p.Arg332*) introduces a premature termination codon predicted to result in loss of normal protein function. Loss-of-function is an established mechanism of disease for this gene. The variant is present at low frequency in population datasets. Based on the available data, this variant is classified as pathogenic.

3billion
Classification: Pathogenic for MTFMT-related disorder. Last evaluated: 2024-06-25. Review status: criteria provided, single submitter. Criteria: ACMG Guidelines, 2015. Collection method: clinical testing. Allele origin: germline. Affected: yes.
Comment: The variant is observed at an extremely low frequency in the gnomAD v4.0.0 dataset (total allele frequency: 0.008%). Predicted Consequence/Location: Stop-gained (nonsense): predicted to result in a loss or disruption of normal protein function through protein truncation. The predicted truncated protein may be shortened by more than 10%. The variant has been reported to be in trans with a pathogenic variant as either compound heterozygous or homozygous in at least 2 similarly affected unrelated individuals (PMID: 22499348, 23499752, 30369941, 32577402). The variant has been reported to co-segregate with the disease in at least one similarly affected relative/individual in the same family or similarly affected unrelated family (PMID: 23499752). The variant has been reported at least twice as pathogenic with clinical assertions and evidence for the classification (ClinVar ID: VCV000039830 /PMID: 22499348). Therefore, this variant is classified as Pathogenic according to the recommendation of ACMG/AMP guideline.

Women's Health and Genetics/Laboratory Corporation of America, LabCorp
Classification: Pathogenic for MTFMT-Related Disorders. Last evaluated: 2024-04-26. Review status: criteria provided, single submitter. Criteria: LabCorp Variant Classification Summary - May 2015. Collection method: clinical testing. Allele origin: germline.
Comment: Variant summary: MTFMT c.994C>T (p.Arg332X) results in a premature termination codon in the last exon of the encoded protein, however, is not expected to undergo nonsense mediated decay. The variant allele was found at a frequency of 9.3e-05 in 247616 control chromosomes. c.994C>T has been reported in the literature in multiple homozygous and compound heterozygous individuals affected with MTFMT-Related Disorders (e.g. Hayhurst_2019). These data indicate that the variant is very likely to be associated with disease. To our knowledge, no experimental evidence demonstrating an impact on protein function has been reported. The following publication has been ascertained in the context of this evaluation (PMID: 30911575). ClinVar contains an entry for this variant (Variation ID: 39830). Based on the evidence outlined above, the variant was classified as pathogenic.

Institute of Human Genetics, University of Leipzig Medical Center
Classification: Pathogenic for Combined oxidative phosphorylation defect type 15. Last evaluated: 2024-03-21. Review status: criteria provided, single submitter. Criteria: ACMG Guidelines, 2015. Collection method: clinical testing. Allele origin: maternal. Inheritance: Autosomal recessive inheritance. Affected: yes.
Comment: Criteria applied: PVS1,PM3_VSTR

Laboratorio de Genetica e Diagnostico Molecular, Hospital Israelita Albert Einstein
Classification: Pathogenic for Combined oxidative phosphorylation defect type 15. Last evaluated: 2022-11-10. Review status: criteria provided, single submitter. Criteria: ACMG Guidelines, 2015. Collection method: clinical testing. Allele origin: germline. Affected: yes.
Comment: ACMG classification criteria: PVS1 strong, PM2 supporting, PM3 strong

GeneDx
Classification: Pathogenic. Last evaluated: 2022-03-16. Review status: criteria provided, single submitter. Criteria: GeneDx Variant Classification Process June 2021. Collection method: clinical testing. Allele origin: germline. Affected: yes.
Comment: Nonsense variant in the C-terminus predicted to result in protein truncation, as the last 58 amino acids are lost, and other loss-of-function variants have been reported downstream in the Human Gene Mutation Database (HGMD); This variant is associated with the following publications: (PMID: 34426522, 28058511, 22499348, 25058219, 23499752, 24461907, 27290639, 30369941, 31589614, 32577402, 32133637, 25911677, 31980526, 30911575)

Ambry Genetics
Classification: Pathogenic for Inborn genetic diseases. Last evaluated: 2022-02-10. Review status: criteria provided, single submitter. Criteria: Ambry Variant Classification Scheme 2023. Collection method: clinical testing. Allele origin: germline.
Comment: The c.994C>T (p.R332*) alteration, located in exon 9 (coding exon 9) of the MTFMT gene, consists of a C to T substitution at nucleotide position 994. This changes the amino acid from an arginine (R) to a stop codon at amino acid position 332. This alteration occurs at the 3' terminus of the MTFMT gene, is not expected to trigger nonsense-mediated mRNA decay, and impacts the last 14.65% of the protein. Premature stop codons are typically deleterious in nature. This alteration has been reported in the homozygous and compound heterozygous states in multiple patients with mitochondrial methionyl-tRNA formyltransferase deficiency (Bennett, 2020; Haack, 2012; Haack, 2014; Neeve, 2013; Pronicka, 2016; Theunissen, 2018). Based on the available evidence, this alteration is classified as pathogenic.

Centre for Mendelian Genomics, University Medical Centre Ljubljana
Classification: Pathogenic for Combined oxidative phosphorylation defect type 15. Last evaluated: 2016-01-01. Review status: criteria provided, single submitter. Criteria: ACMG Guidelines, 2015. Collection method: clinical testing. Allele origin: unknown. Affected: yes.
Comment: This variant was classified as: Pathogenic. The following ACMG criteria were applied in classifying this variant: PVS1,PS1,PM2,PP3.

OMIM
Classification: Pathogenic for MITOCHONDRIAL COMPLEX I DEFICIENCY, NUCLEAR TYPE 27. Last evaluated: 2014-03-01. Review status: no assertion criteria provided. Collection method: literature only. Allele origin: germline. Not counted in ClinVar's aggregate classification.

OMIM
Classification: Pathogenic for COMBINED OXIDATIVE PHOSPHORYLATION DEFICIENCY 15. Last evaluated: 2014-03-01. Review status: no assertion criteria provided. Collection method: literature only. Allele origin: germline. Not counted in ClinVar's aggregate classification.

Literature cited by the submitters: PubMed 22499348 (cited by 5 submitters); PubMed 23499752 (cited by 5 submitters); PubMed 25058219 (cited by Mayo Clinic Laboratories, Mayo Clinic); PubMed 30369941 (cited by 3 submitters); PubMed 30911575 (cited by Mayo Clinic Laboratories, Mayo Clinic and Women's Health and Genetics/Laboratory Corporation of America, LabCorp); PubMed 32577402 (cited by 3billion and Ambry Genetics); PubMed 24461907 (cited by Ambry Genetics and OMIM); PubMed 27290639 (cited by Ambry Genetics).